The following is an entry in ClinVar:

NM_020843.4(SCAPER):c.1495+1G>A

Gene: SCAPER (S-phase cyclin A associated protein in the ER; minus strand). Cytogenetic location: 15q24.3.
Variant type: single nucleotide variant.
Coding change: c.1495+1G>A on transcript NM_020843.4 (MANE Select); the canonical splice donor site of the intron after coding-DNA position 1495, G replaced by A.
Molecular consequence: splice donor variant.
Genome position (GRCh38, 1-based): chr15:76,765,562, C>T on the plus strand (G>A on the coding strand, the complement: SCAPER is on the minus strand). VCF-style: chr15-76765562-C-T. GRCh37 (hg19) VCF-style: chr15-77057903-C-T.
Other names: c.1513+1G>A (NM_001353009.2, NM_001353009.1); c.1093+1G>A (NM_001353010.2, NM_001353012.2); c.757+1G>A (NM_001145923.2); c.1111+1G>A (NM_001353011.2).
Identifiers: ClinVar variation 800547 (VCV000800547.2), dbSNP rs1598598205, ClinGen allele CA393638131.

ClinVar aggregate classification (germline): Likely pathogenic. Review status: criteria provided, single submitter (1 of 4 stars). 2 submissions from 2 submitters: Likely pathogenic (1). 1 of the submissions does not count toward it. Last evaluated 2024-12-02.

Conditions:
Intellectual developmental disorder and retinitis pigmentosa; IDDRP. Also called: INTELLECTUAL DEVELOPMENTAL DISORDER AND RETINITIS PIGMENTOSA. Identifiers: MedGen C4748658, MONDO:0032594, OMIM 618195.
SCAPER-related disorder. Also called: SCAPER-related condition.

Allele frequency attached by ClinVar (database versions not stated): gnomAD exomes 0.00001.
gnomAD v4.1: 20 of 1,598,222 alleles (0.0013%); highest among the groups gnomAD compares: Non-Finnish European, 0.0017%; no homozygotes.

Submissions (2):

PreventionGenetics, part of Exact Sciences
Classification: Likely pathogenic for SCAPER-related condition. Last evaluated: 2024-12-02. Review status: criteria provided, single submitter. Criteria: ACMG Guidelines, 2015. Collection method: clinical testing. Allele origin: germline.
Comment: The SCAPER c.1513+1G>A variant is predicted to disrupt the GT donor site and interfere with normal splicing. To our knowledge, this variant has not been reported in the literature or in a large population database (gnomAD), indicating this variant is rare. Variants that disrupt the consensus splice donor site in SCAPER are expected to be pathogenic. This variant is interpreted as likely pathogenic.

New Leaf Center
Classification: Likely pathogenic for Intellectual developmental disorder and retinitis pigmentosa; IDDRP. Last evaluated: 2019-04-30. Review status: no assertion criteria provided. Collection method: clinical testing. Allele origin: inherited. Inheritance: Autosomal recessive inheritance. Affected: yes. Observed: 1 variant allele. Not counted in ClinVar's aggregate classification.